The following is an entry in ClinVar:

ClinVar aggregate classification (germline): Uncertain significance. Review status: criteria provided, multiple submitters, no conflicts (2 of 4 stars). 2 submissions from 2 submitters: Uncertain significance (2). Last evaluated 2022-04-07.

Allele frequency attached by ClinVar (database versions not stated): gnomAD exomes below 0.00001; TOPMed 0.00001.

Submissions (2):

Labcorp Genetics (formerly Invitae), Labcorp
Classification: Uncertain significance. Last evaluated: 2022-04-07. Review status: criteria provided, single submitter. Criteria: Invitae Variant Classification Sherloc (09022015). Collection method: clinical testing. Allele origin: germline.
Comment: This sequence change replaces tryptophan, which is neutral and slightly polar, with arginine, which is basic and polar, at codon 272 of the CLCC1 protein (p.Trp272Arg). This variant is present in population databases (no rsID available, gnomAD 0.003%). This variant has not been reported in the literature in individuals affected with CLCC1-related conditions. Algorithms developed to predict the effect of missense changes on protein structure and function are either unavailable or do not agree on the potential impact of this missense change (SIFT: "Deleterious"; PolyPhen-2: "Probably Damaging"; Align-GVGD: "Class C0"). In summary, the available evidence is currently insufficient to determine the role of this variant in disease. Therefore, it has been classified as a Variant of Uncertain Significance.

Ambry Genetics
Classification: Uncertain significance. Last evaluated: 2021-07-09. Review status: criteria provided, single submitter. Criteria: Ambry Variant Classification Scheme 2023. Collection method: clinical testing. Allele origin: germline.

NM_001377458.1(CLCC1):c.814T>C (p.Trp272Arg)

Gene: CLCC1 (chloride channel CLIC like 1; minus strand). Cytogenetic location: 1p13.3.
Variant type: single nucleotide variant.
Coding change: c.814T>C on transcript NM_001377458.1 (MANE Select); coding-DNA position 814, T replaced by C.
Protein change: p.Trp272Arg; replaces tryptophan 272 with arginine.
Molecular consequence: missense variant. On other transcripts: non-coding transcript variant (1), intron variant (1).
Genome position (GRCh38, 1-based): chr1:108,940,125, A>G on the plus strand (T>C on the coding strand, the complement: CLCC1 is on the minus strand). VCF-style: chr1-108940125-A-G. GRCh37 (hg19) VCF-style: chr1-109482747-A-G.
Other names: c.814T>C, p.Trp272Arg (NM_001048210.3, NM_001377459.1, NM_001377460.1 and 8 more transcripts); c.451T>C, p.Trp151Arg (NM_001278202.2); c.712T>C, p.Trp238Arg (NM_001377469.1); c.523T>C, p.Trp175Arg (NM_001377470.1); c.664T>C, p.Trp222Arg (NM_015127.5); c.340-343T>C (NM_001278203.1); c.814T>C (NM_001048210.1); short protein forms W222R, W238R, W151R, W175R, W272R.
Identifiers: ClinVar variation 1470096 (VCV001470096.4), dbSNP rs1293275816, ClinGen allele CA341460591.